The following is an entry in ClinVar:

NM_173076.3(ABCA12):c.179G>C (p.Arg60Pro)

Gene: ABCA12 (ATP binding cassette subfamily A member 12; minus strand). Cytogenetic location: 2q35.
Variant type: single nucleotide variant.
Coding change: c.179G>C on transcript NM_173076.3 (MANE Select); coding-DNA position 179, G replaced by C.
Protein change: p.Arg60Pro; replaces arginine 60 with proline.
Molecular consequence: missense variant. On other transcripts: non-coding transcript variant (1).
Genome position (GRCh38, 1-based): chr2:215,064,204, C>G on the plus strand (G>C on the coding strand, the complement: ABCA12 is on the minus strand). VCF-style: chr2-215064204-C-G. GRCh37 (hg19) VCF-style: chr2-215928927-C-G.
Other names: short protein forms R60P.
Identifiers: ClinVar variation 264998 (VCV000264998.11), dbSNP rs762065937, ClinGen allele CA10588337.

ClinVar aggregate classification (germline): Pathogenic/Likely pathogenic. Review status: criteria provided, multiple submitters, no conflicts (2 of 4 stars). 4 submissions from 4 submitters: Pathogenic (1); Likely pathogenic (3). Last evaluated 2025-07-15.

Conditions:
ABCA12-related disorder. Also called: ABCA12-related condition.
Lamellar ichthyosis. Identifiers: Orphanet 313, MedGen C5848247, MONDO:0017778.

Allele frequency attached by ClinVar (database versions not stated): TOPMed 0.00002.
gnomAD v4.1: 13 of 1,612,264 alleles (0.00081%); highest among the groups gnomAD compares: Non-Finnish European, 0.0011%; no homozygotes.

Submissions (4):

Women's Health and Genetics/Laboratory Corporation of America, LabCorp
Classification: Likely pathogenic for Lamellar ichthyosis. Last evaluated: 2025-07-15. Review status: criteria provided, single submitter. Criteria: LabCorp Variant Classification Summary - May 2015. Collection method: clinical testing. Allele origin: germline.
Comment: Variant summary: ABCA12 c.179G>C (p.Arg60Pro) results in a non-conservative amino acid change in the encoded protein sequence. Algorithms developed to predict the effect of missense changes on protein structure and function all suggest that this variant is likely to be disruptive. The variant was absent in 250790 control chromosomes. c.179G>C has been observed in at-least four individual(s) affected with Lamellar Ichthyosis (Hotz_2023, Scott_2013). These data indicate that the variant is likely to be associated with disease. To our knowledge, no experimental evidence demonstrating an impact on protein function has been reported. The following publications have been ascertained in the context of this evaluation (PMID: 36980989, 22992804). ClinVar contains an entry for this variant (Variation ID: 264998). Based on the evidence outlined above, the variant was classified as likely pathogenic.

Blueprint Genetics
Classification: Likely pathogenic for ABCA12-related disorders. Last evaluated: 2024-11-24. Review status: criteria provided, single submitter. Criteria: ACMG Guidelines, 2015. Collection method: clinical testing. Allele origin: germline. Affected: yes. Observed: 5 variant alleles.

Labcorp Genetics (formerly Invitae), Labcorp
Classification: Pathogenic. Last evaluated: 2023-09-08. Review status: criteria provided, single submitter. Criteria: Invitae Variant Classification Sherloc (09022015). Collection method: clinical testing. Allele origin: germline.
Comment: This sequence change replaces arginine, which is basic and polar, with proline, which is neutral and non-polar, at codon 60 of the ABCA12 protein (p.Arg60Pro). ClinVar contains an entry for this variant (Variation ID: 264998). This variant is not present in population databases (gnomAD no frequency). This missense change has been observed in individuals with congenital ichthyosis (PMID: 22992804, 36980989). Advanced modeling of protein sequence and biophysical properties (such as structural, functional, and spatial information, amino acid conservation, physicochemical variation, residue mobility, and thermodynamic stability) performed at Invitae indicates that this missense variant is expected to disrupt ABCA12 protein function. For these reasons, this variant has been classified as Pathogenic.

GeneDx
Classification: Likely pathogenic. Last evaluated: 2017-03-30. Review status: criteria provided, single submitter. Criteria: GeneDx Variant Classification (06012015). Collection method: clinical testing. Allele origin: germline. Affected: yes.
Comment: The R60P variant has been reported along with a nonsense variant in a patient with Harlequin ichthyosis (Scott et al., 2013). It is not observed in large population cohorts (Lek et al., 2016; 1000 Genomes Consortium et al., 2015; Exome Variant Server). The R60P variant is a non-conservative amino acid substitution, which is likely to impact secondary protein structure as these residues differ in polarity, charge, size and/or other properties. This substitution occurs at a position that is conserved, although in silico analysis is inconsistent in its predictions as to whether or not the variant is damaging to the protein structure/function. In summary, this variant is likely pathogenic; however, the possibility that it is benign cannot be excluded.

Literature cited by the submitters: PubMed 22992804 (cited by Women's Health and Genetics/Laboratory Corporation of America, LabCorp and Labcorp Genetics (formerly Invitae), Labcorp); PubMed 36980989 (cited by Women's Health and Genetics/Laboratory Corporation of America, LabCorp and Labcorp Genetics (formerly Invitae), Labcorp).